The following is an entry in ClinVar:

ClinVar aggregate classification (germline): Uncertain significance. Review status: criteria provided, multiple submitters, no conflicts (2 of 4 stars). 4 submissions from 4 submitters: Uncertain significance (4). Last evaluated 2025-09-17.

Conditions:
Progressive sclerosing poliodystrophy (MTDPS4A). Also called: ALPERS DIFFUSE DEGENERATION OF CEREBRAL GRAY MATTER WITH HEPATIC CIRRHOSIS; Alpers-Huttenlocher Syndrome; ALPERS PROGRESSIVE INFANTILE POLIODYSTROPHY; NEURONAL DEGENERATION OF CHILDHOOD WITH LIVER DISEASE, PROGRESSIVE; Mitochondrial DNA Depletion Syndrome 4A; Alpers-Huttenlocher Syndrome (AHS). Identifiers: Orphanet 726, MedGen C0205710, MONDO:0008758, OMIM 203700.

Allele frequency attached by ClinVar (database versions not stated): ExAC 0.00001; gnomAD 0.00001 and 0.00002; gnomAD exomes 0.00001; TOPMed 0.00002.
gnomAD v4.1: 16 of 1,614,064 alleles (0.00099%); highest among the groups gnomAD compares: Middle Eastern, 0.066%; no homozygotes.

Submissions (4):

GeneDx
Classification: Uncertain significance. Last evaluated: 2025-09-17. Review status: criteria provided, single submitter. Criteria: GeneDx Variant Classification Process June 2021. Collection method: clinical testing. Allele origin: germline. Affected: yes.
Comment: Reported previously in a heterozygous state in an individual with complex I deficiency; however, this patient was also found to have a homozygous pathogenic variant in the ND6 gene that the authors deemed to be the cause of the patient's phenotype (PMID: 20818383); Not observed at significant frequency in large population cohorts (gnomAD); In silico analysis suggests that this missense variant does not alter protein structure/function; This variant is associated with the following publications: (PMID: 20818383, 36099812)

Labcorp Genetics (formerly Invitae), Labcorp
Classification: Uncertain significance for Progressive sclerosing poliodystrophy. Last evaluated: 2024-07-27. Review status: criteria provided, single submitter. Criteria: Invitae Variant Classification Sherloc (09022015). Collection method: clinical testing. Allele origin: germline.
Comment: This sequence change replaces alanine, which is neutral and non-polar, with threonine, which is neutral and polar, at codon 676 of the POLG protein (p.Ala676Thr). This variant is present in population databases (rs752293938, gnomAD 0.002%). This missense change has been observed in individual(s) with complex I deficiency or primary ovarian insufficiency (PMID: 20818383, 36099812). ClinVar contains an entry for this variant (Variation ID: 206506). Advanced modeling of protein sequence and biophysical properties (such as structural, functional, and spatial information, amino acid conservation, physicochemical variation, residue mobility, and thermodynamic stability) performed at Invitae indicates that this missense variant is not expected to disrupt POLG protein function with a negative predictive value of 95%. In summary, the available evidence is currently insufficient to determine the role of this variant in disease. Therefore, it has been classified as a Variant of Uncertain Significance.

Women's Health and Genetics/Laboratory Corporation of America, LabCorp
Classification: Uncertain significance. Last evaluated: 2024-04-11. Review status: criteria provided, single submitter. Criteria: LabCorp Variant Classification Summary - May 2015. Collection method: clinical testing. Allele origin: germline.
Comment: Variant summary: POLG c.2026G>A (p.Ala676Thr) results in a non-conservative amino acid change in the encoded protein sequence. Four of five in-silico tools predict a benign effect of the variant on protein function. The variant allele was found at a frequency of 8e-06 in 251166 control chromosomes. The available data on variant occurrences in the general population are insufficient to allow any conclusion about variant significance. c.2026G>A has been reported in the literature in a heterozygous individual affected with complex I deficiency who also was homozygous with a pathogenic ND6 variant (Calvo_2010). This report does not provide unequivocal conclusions about association of the variant with Mitochondrial DNA Depletion Syndrome - POLG Related. To our knowledge, no experimental evidence demonstrating an impact on protein function has been reported. ClinVar contains an entry for this variant (Variation ID: 206506). Based on the evidence outlined above, the variant was classified as uncertain significance.

Eurofins Ntd Llc (ga)
Classification: Uncertain significance. Last evaluated: 2018-02-20. Review status: criteria provided, single submitter. Criteria: EGL ClinVar v180209 classification definitions. Collection method: clinical testing. Allele origin: germline. Observed: 1 variant allele, 1 heterozygote.

Literature cited by the submitters: PubMed 20818383 (cited by Labcorp Genetics (formerly Invitae), Labcorp and Women's Health and Genetics/Laboratory Corporation of America, LabCorp); PubMed 36099812 (cited by Labcorp Genetics (formerly Invitae), Labcorp).

NM_002693.3(POLG):c.2026G>A (p.Ala676Thr)

Gene: POLG (DNA polymerase gamma, catalytic subunit; minus strand). Cytogenetic location: 15q26.1.
Variant type: single nucleotide variant.
Coding change: c.2026G>A on transcript NM_002693.3 (MANE Select); coding-DNA position 2026, G replaced by A.
Protein change: p.Ala676Thr; replaces alanine 676 with threonine.
Molecular consequence: missense variant.
Genome position (GRCh38, 1-based): chr15:89,324,151, C>T on the plus strand (G>A on the coding strand, the complement: POLG is on the minus strand). VCF-style: chr15-89324151-C-T. GRCh37 (hg19) VCF-style: chr15-89867382-C-T.
Other names: p.A676T:GCG>ACG; c.2026G>A, p.Ala676Thr (NM_001126131.2); short protein forms A676T.
Identifiers: ClinVar variation 206506 (VCV000206506.16), dbSNP rs752293938, ClinGen allele CA316658.